The following is an entry in ClinVar:

ClinVar aggregate classification (germline): Likely benign (1 of 4 stars; one submission).

Allele frequency attached by ClinVar (database versions not stated): TOPMed 0.00001.
gnomAD v4.1: 9 of 1,614,088 alleles (0.00056%); highest among the groups gnomAD compares: African/African-American, 0.004%; no homozygotes.

Submission:

Laboratory for Molecular Medicine, Mass General Brigham Personalized Medicine
Classification: Likely benign. Last evaluated: 2022-02-23. Review status: criteria provided, single submitter. Criteria: ACMG Guidelines, 2015. Collection method: clinical testing. Allele origin: germline.
Comment: The p.Ile69Ile variant in SIX1 is classified as likely benign because it does not alter an amino acid residue, is not located within the splice consensus site, and computational splice prediction tools do not predict an impact on splicing. It was absent from large population studies. ACMG/AMP Criteria applied: BP4, BP7, PM2_Supporting.

NM_005982.4(SIX1):c.207C>T (p.Ile69=)

Gene: SIX1 (SIX homeobox 1; minus strand). Cytogenetic location: 14q23.1.
Variant type: single nucleotide variant.
Coding change: c.207C>T on transcript NM_005982.4 (MANE Select); coding-DNA position 207, C replaced by T.
Protein change: p.Ile69=; no amino-acid change (isoleucine 69 retained).
Molecular consequence: synonymous variant.
Genome position (GRCh38, 1-based): chr14:60,648,983, G>A on the plus strand (C>T on the coding strand, the complement: SIX1 is on the minus strand). VCF-style: chr14-60648983-G-A. GRCh37 (hg19) VCF-style: chr14-61115701-G-A.
Other names: c.207C>T, p.Ile69= (NM_001425142.1).
Identifiers: ClinVar variation 3075842 (VCV003075842.1), dbSNP rs1169502259, ClinGen allele CA486955942.